The following is an entry in ClinVar:

ClinVar aggregate classification (germline): Benign (1 of 4 stars; one submission).

Conditions:
Thyroid hormone resistance, generalized, autosomal dominant (GRTHD). Also called: HYPERTHYROXINEMIA, FAMILIAL EUTHYROID, SECONDARY TO PITUITARY AND PERIPHERAL RESISTANCE TO THYROID HORMONES. Identifiers: MedGen C2937288, MONDO:0008569, OMIM 188570.

Allele frequency attached by ClinVar (database versions not stated): gnomAD 0.00638 and 0.00679; TOPMed 0.00716; 1000 Genomes Project 0.00839; 1000 Genomes Project 30x 0.00984.

Submission:

Illumina Laboratory Services, Illumina
Classification: Benign for Thyroid hormone resistance, generalized, autosomal dominant. Last evaluated: 2018-01-13. Review status: criteria provided, single submitter. Criteria: ICSL Variant Classification Criteria 13 December 2019. Collection method: clinical testing. Allele origin: germline.
Comment: This variant was observed in the ICSL laboratory as part of a predisposition screen in an ostensibly healthy population. It had not been previously curated by ICSL or reported in the Human Gene Mutation Database (HGMD: prior to June 1st, 2018), and was therefore a candidate for classification through an automated scoring system. Utilizing variant allele frequency, disease prevalence and penetrance estimates, and inheritance mode, an automated score was calculated to assess if this variant is too frequent to cause the disease. Based on the score and internal cut-off values, a variant classified as benign is not then subjected to further curation. The score for this variant resulted in a classification of benign for this disease.

NM_001354712.2(THRB):c.*1104T>C

Gene: THRB (thyroid hormone receptor beta; minus strand). Cytogenetic location: 3p24.2.
Variant type: single nucleotide variant.
Coding change: c.*1104T>C on transcript NM_001354712.2 (MANE Select); 1104 bases downstream of the stop codon, T replaced by C.
Molecular consequence: 3 prime UTR variant.
Genome position (GRCh38, 1-based): chr3:24,121,780, A>G on the plus strand (T>C on the coding strand, the complement: THRB is on the minus strand). VCF-style: chr3-24121780-A-G. GRCh37 (hg19) VCF-style: chr3-24163271-A-G.
Other names: c.*1104T>C (NM_000461.5, NM_001128176.3, NM_001128177.2 and 8 more transcripts).
Identifiers: ClinVar variation 344618 (VCV000344618.5), dbSNP rs79097039, ClinGen allele CA10615539.